The following is an entry in ClinVar:

NM_004369.4(COL6A3):c.7623G>C (p.Leu2541Phe)

Gene: COL6A3 (collagen type VI alpha 3 chain; minus strand). Cytogenetic location: 2q37.3.
Variant type: single nucleotide variant.
Coding change: c.7623G>C on transcript NM_004369.4 (MANE Select); coding-DNA position 7623, G replaced by C.
Protein change: p.Leu2541Phe; replaces leucine 2541 with phenylalanine.
Molecular consequence: missense variant.
Genome position (GRCh38, 1-based): chr2:237,344,395, C>G on the plus strand (G>C on the coding strand, the complement: COL6A3 is on the minus strand). VCF-style: chr2-237344395-C-G. GRCh37 (hg19) VCF-style: chr2-238253038-C-G.
Other names: c.5802G>C, p.Leu1934Phe (NM_057166.5); c.7005G>C, p.Leu2335Phe (NM_057167.4); short protein forms L1934F, L2335F, L2541F.
Identifiers: ClinVar variation 4729964 (VCV004729964.1).
Genomic context (GRCh38, chr2:237,344,395, plus strand): 5'-GCACAGAGCACAGACCTGCAAAGCGTTGATGAGCTGCCGGTCTTCCTGCCTTGTAAGGAA[C>G]AAGGGGGTGATCCCCGCATCTGAGAGCTTGAGCACAGCCTCTCTGAGCTGTGGGGATGCT-3'
Protein context (NP_004360.2, residues 2531-2551): LKLSDAGITP[Leu2541Phe]FLTRQEDRQL

ClinVar aggregate classification (germline): Uncertain significance (1 of 4 stars; one submission).

Conditions:
Bethlem myopathy 1A. Also called: MYOPATHY, BENIGN CONGENITAL, WITH CONTRACTURES; Bethlem myopathy 1; Bethlem Muscular Dystrophy. Identifiers: Orphanet 610, MedGen CN029274, MONDO:0024530, OMIM 158810.

gnomAD v4.1: 10 of 1,614,190 alleles (0.00062%); highest among the groups gnomAD compares: Non-Finnish European, 0.00085%; no homozygotes.

Submission:

Labcorp Genetics (formerly Invitae), Labcorp
Classification: Uncertain significance for Bethlem myopathy 1A. Last evaluated: 2025-11-12. Review status: criteria provided, single submitter. Criteria: Invitae Variant Classification Sherloc (09022015). Collection method: clinical testing. Allele origin: germline.
Comment: This sequence change replaces leucine, which is neutral and non-polar, with phenylalanine, which is neutral and non-polar, at codon 2541 of the COL6A3 protein (p.Leu2541Phe). This variant is present in population databases (rs777454030, gnomAD 0.004%). This variant has not been reported in the literature in individuals affected with COL6A3-related conditions. Invitae Evidence Modeling of protein sequence and biophysical properties (such as structural, functional, and spatial information, amino acid conservation, physicochemical variation, residue mobility, and thermodynamic stability) indicates that this missense variant is expected to disrupt COL6A3 protein function with a positive predictive value of 80%. In summary, the available evidence is currently insufficient to determine the role of this variant in disease. Therefore, it has been classified as a Variant of Uncertain Significance.